The following is an entry in ClinVar:

NM_000302.4(PLOD1):c.1670G>C (p.Trp557Ser)

Gene: PLOD1 (procollagen-lysine,2-oxoglutarate 5-dioxygenase 1; plus strand). Cytogenetic location: 1p36.22.
Variant type: single nucleotide variant.
Coding change: c.1670G>C on transcript NM_000302.4 (MANE Select); coding-DNA position 1670, G replaced by C.
Protein change: p.Trp557Ser; replaces tryptophan 557 with serine.
Molecular consequence: missense variant.
Genome position (GRCh38, 1-based): chr1:11,967,006, G>C. VCF-style: chr1-11967006-G-C. GRCh37 (hg19) VCF-style: chr1-12027063-G-C.
Other names: c.1811G>C, p.Trp604Ser (NM_001316320.2); short protein forms W557S, W604S.
Identifiers: ClinVar variation 520112 (VCV000520112.5), dbSNP rs1052289406, ClinGen allele CA18015672.

ClinVar aggregate classification (germline): Uncertain significance (1 of 4 stars; one submission).

Conditions:
Familial thoracic aortic aneurysm and aortic dissection (TAAD). Also called: Thoracic aortic aneurysms and dissections. Identifiers: Orphanet 91387, MedGen C4707243, MONDO:0019625.

Allele frequency attached by ClinVar (database versions not stated): TOPMed below 0.00001.
gnomAD v4.1: 2 of 1,613,176 alleles (0.00012%); highest among the groups gnomAD compares: Non-Finnish European, 0.00017%; no homozygotes.

Submission:

Ambry Genetics
Classification: Uncertain significance for Familial thoracic aortic aneurysm and aortic dissection. Last evaluated: 2016-09-02. Review status: criteria provided, single submitter. Criteria: Ambry Variant Classification Scheme 2023. Collection method: clinical testing. Allele origin: germline.
Comment: The p.W557S variant (also known as c.1670G>C), located in coding exon 16 of the PLOD1 gene, results from a G to C substitution at nucleotide position 1670. The tryptophan at codon 557 is replaced by serine, an amino acid with highly dissimilar properties. This variant was not reported in population based cohorts in the following databases: Database of Single Nucleotide Polymorphisms (dbSNP), NHLBI Exome Sequencing Project (ESP), and 1000 Genomes Project. In the ESP, this variant was not observed in 6503 samples (13006 alleles) with coverage at this position. This amino acid position is highly conserved in available vertebrate species. In addition, this alteration is predicted to be deleterious by in silico analysis. Since supporting evidence is limited at this time, the clinical significance of this alteration remains unclear.